The following is an entry in ClinVar:

NM_017636.4(TRPM4):c.916G>A (p.Gly306Arg)

Gene: TRPM4 (transient receptor potential cation channel subfamily M member 4; plus strand). Cytogenetic location: 19q13.33.
Variant type: single nucleotide variant.
Coding change: c.916G>A on transcript NM_017636.4 (MANE Select); coding-DNA position 916, G replaced by A.
Protein change: p.Gly306Arg; replaces glycine 306 with arginine.
Molecular consequence: missense variant. On other transcripts: 5 prime UTR variant (1).
Genome position (GRCh38, 1-based): chr19:49,171,635, G>A. VCF-style: chr19-49171635-G-A. GRCh37 (hg19) VCF-style: chr19-49674892-G-A.
Other names: c.916G>A, p.Gly306Arg (NM_001195227.2); c.571G>A, p.Gly191Arg (NM_001321281.2); c.-638G>A (NM_001321282.2); c.394G>A, p.Gly132Arg (NM_001321283.2); c.67G>A, p.Gly23Arg (NM_001321285.2); short protein forms G132R, G191R, G23R, G306R.
Identifiers: ClinVar variation 1315960 (VCV001315960.3), dbSNP rs866691706, ClinGen allele CA309433501.

ClinVar aggregate classification (germline): Uncertain significance. Review status: criteria provided, multiple submitters, no conflicts (2 of 4 stars). 2 submissions from 2 submitters: Uncertain significance (2). Last evaluated 2025-12-28.

Conditions:
Progressive familial heart block type IB (PFHB1B). Identifiers: Orphanet 871, MedGen C1970298, MONDO:0011474, OMIM 604559.

Allele frequency attached by ClinVar (database versions not stated): gnomAD exomes below 0.00001; TOPMed below 0.00001.
gnomAD v4.1: 1 of 1,613,980 alleles (0.000062%); highest among the groups gnomAD compares: South Asian, 0.0011%; no homozygotes.

Submissions (2):

Labcorp Genetics (formerly Invitae), Labcorp
Classification: Uncertain significance for Progressive familial heart block type IB. Last evaluated: 2025-12-28. Review status: criteria provided, single submitter. Criteria: Invitae Variant Classification Sherloc (09022015). Collection method: clinical testing. Allele origin: germline.
Comment: This sequence change replaces glycine, which is neutral and non-polar, with arginine, which is basic and polar, at codon 306 of the TRPM4 protein (p.Gly306Arg). This variant is not present in population databases (gnomAD no frequency). This variant has not been reported in the literature in individuals affected with TRPM4-related conditions. ClinVar contains an entry for this variant (Variation ID: 1315960). An algorithm developed to predict the effect of missense changes on protein structure and function (PolyPhen-2) suggests that this variant is likely to be disruptive. In summary, the available evidence is currently insufficient to determine the role of this variant in disease. Therefore, it has been classified as a Variant of Uncertain Significance.

GeneDx
Classification: Uncertain significance. Last evaluated: 2020-02-05. Review status: criteria provided, single submitter. Criteria: GeneDx Variant Classification Process June 2021. Collection method: clinical testing. Allele origin: germline. Affected: yes.
Comment: Has not been previously published as pathogenic or benign to our knowledge; Not observed in large population cohorts (Lek et al., 2016); In silico analysis supports that this missense variant has a deleterious effect on protein structure/function